The following is an entry in ClinVar:

ClinVar aggregate classification (germline): Uncertain significance (1 of 4 stars; one submission).

Conditions:
Deficiency of ferroxidase (ACEP). Also called: NEURODEGENERATION WITH BRAIN IRON ACCUMULATION 10; Ceruloplasmin deficiency; Familial apoceruloplasmin deficiency; Hereditary ceruloplasmin deficiency; Deficiency of ceruloplasmin; Aceruloplasminemia. Identifiers: Orphanet 48818, MedGen C0878682, MONDO:0011426, OMIM 604290, HP:0025498.

Allele frequency attached by ClinVar (database versions not stated): gnomAD exomes 0.00001; gnomAD 0.00001; TOPMed below 0.00001.
gnomAD v4.1: 7 of 1,614,018 alleles (0.00043%); highest among the groups gnomAD compares: Non-Finnish European, 0.00051%; no homozygotes.

Submission:

Labcorp Genetics (formerly Invitae), Labcorp
Classification: Uncertain significance for Deficiency of ferroxidase. Last evaluated: 2022-02-24. Review status: criteria provided, single submitter. Criteria: Invitae Variant Classification Sherloc (09022015). Collection method: clinical testing. Allele origin: germline.
Comment: In summary, the available evidence is currently insufficient to determine the role of this variant in disease. Therefore, it has been classified as a Variant of Uncertain Significance. Algorithms developed to predict the effect of missense changes on protein structure and function output the following: SIFT: "Tolerated"; PolyPhen-2: "Benign"; Align-GVGD: "Class C0". The serine amino acid residue is found in multiple mammalian species, which suggests that this missense change does not adversely affect protein function. ClinVar contains an entry for this variant (Variation ID: 849589). This variant has not been reported in the literature in individuals affected with CP-related conditions. This variant is present in population databases (no rsID available, gnomAD 0.007%). This sequence change replaces threonine, which is neutral and polar, with serine, which is neutral and polar, at codon 162 of the CP protein (p.Thr162Ser).

NM_000096.4(CP):c.484A>T (p.Thr162Ser)

Gene: CP (ceruloplasmin; minus strand). Cytogenetic location: 3q25.1.
Variant type: single nucleotide variant.
Coding change: c.484A>T on transcript NM_000096.4 (MANE Select); coding-DNA position 484, A replaced by T.
Protein change: p.Thr162Ser; replaces threonine 162 with serine.
Molecular consequence: missense variant. On other transcripts: non-coding transcript variant (1).
Genome position (GRCh38, 1-based): chr3:149,210,290, T>A on the plus strand (A>T on the coding strand, the complement: CP is on the minus strand). VCF-style: chr3-149210290-T-A. GRCh37 (hg19) VCF-style: chr3-148928077-T-A.
Other names: short protein forms T162S.
Identifiers: ClinVar variation 849589 (VCV000849589.9), dbSNP rs1428783802, ClinGen allele CA354917855.